The following is an entry in ClinVar:

ClinVar aggregate classification (germline): Uncertain significance (1 of 4 stars; one submission).

Allele frequency attached by ClinVar (database versions not stated): ExAC 0.00001.
gnomAD v4.1: 2 of 1,613,894 alleles (0.00012%); highest among the groups gnomAD compares: East Asian, 0.0045%; no homozygotes.

Submission:

Labcorp Genetics (formerly Invitae), Labcorp
Classification: Uncertain significance. Last evaluated: 2025-06-06. Review status: criteria provided, single submitter. Criteria: Invitae Variant Classification Sherloc (09022015). Collection method: clinical testing. Allele origin: germline.
Comment: This sequence change replaces tyrosine, which is neutral and polar, with histidine, which is basic and polar, at codon 253 of the SLC10A2 protein (p.Tyr253His). This variant is present in population databases (rs777067821, gnomAD 0.01%). This variant has not been reported in the literature in individuals affected with SLC10A2-related conditions. ClinVar contains an entry for this variant (Variation ID: 2840039). Invitae Evidence Modeling of protein sequence and biophysical properties (such as structural, functional, and spatial information, amino acid conservation, physicochemical variation, residue mobility, and thermodynamic stability) indicates that this missense variant is not expected to disrupt SLC10A2 protein function with a negative predictive value of 80%. In summary, the available evidence is currently insufficient to determine the role of this variant in disease. Therefore, it has been classified as a Variant of Uncertain Significance.

NM_000452.3(SLC10A2):c.757T>C (p.Tyr253His)

Gene: SLC10A2 (solute carrier family 10 member 2; minus strand). Cytogenetic location: 13q33.1.
Variant type: single nucleotide variant.
Coding change: c.757T>C on transcript NM_000452.3 (MANE Select); coding-DNA position 757, T replaced by C.
Protein change: p.Tyr253His; replaces tyrosine 253 with histidine.
Molecular consequence: missense variant.
Genome position (GRCh38, 1-based): chr13:103,051,261, A>G on the plus strand (T>C on the coding strand, the complement: SLC10A2 is on the minus strand). VCF-style: chr13-103051261-A-G. GRCh37 (hg19) VCF-style: chr13-103703611-A-G.
Other names: short protein forms Y253H.
Identifiers: ClinVar variation 2840039 (VCV002840039.3), dbSNP rs777067821, ClinGen allele CA7042072.
Genomic context (GRCh38, chr13:103,051,261, plus strand): 5'-GAATACAACAGATATTACAGATTAAAATTCCCAATGTGATTTACTAAATGCCATACCTGT[A>G]CCAGGGTAGACCAGCAATTCTAGCCAGAAGAAACCCCAGGGAGTAACCCGCCACAGGAAA-3'
Protein context (NP_000443.2, residues 243-263): LLARIAGLPW[Tyr253His]RCRTVAFETG